The following is an entry in ClinVar:

NM_025207.5(FLAD1):c.745C>T (p.Arg249Ter)

Gene: FLAD1 (flavin adenine dinucleotide synthetase 1; plus strand). Cytogenetic location: 1q21.3.
Variant type: single nucleotide variant.
Coding change: c.745C>T on transcript NM_025207.5 (MANE Select); coding-DNA position 745, C replaced by T.
Protein change: p.Arg249Ter; replaces arginine 249 with a stop codon.
Molecular consequence: nonsense.
Genome position (GRCh38, 1-based): chr1:154,988,477, C>T. VCF-style: chr1-154988477-C-T. GRCh37 (hg19) VCF-style: chr1-154960953-C-T.
Other names: c.454C>T, p.Arg152Ter (NM_001184891.2, NM_201398.3); c.448C>T, p.Arg150Ter (NM_001184892.2); short protein forms R150*, R152*, R249*.
Identifiers: ClinVar variation 801554 (VCV000801554.12), dbSNP rs199979286, ClinGen allele CA1134389.
Genomic context (GRCh38, chr1:154,988,477, plus strand): 5'-CTGCATTATGGCACAGATCCTTGCACTGGTCAACCTTTCAGATTCCCTCTGGTCTCCGTC[C>T]GAAACGTCTACCTCTTCCCAGGCATTCCAGAGCTGCTGCGGCGGGTGCTGGAGGGGATGA-3'

ClinVar aggregate classification (germline): Pathogenic. Review status: criteria provided, multiple submitters, no conflicts (2 of 4 stars). 3 submissions from 3 submitters: Pathogenic (3). Last evaluated 2025-07-09.

Conditions:
Multiple acyl-CoA dehydrogenase deficiency (MADD). Also called: Glutaric aciduria, type 2; Glutaric acidemia type II; GA 2; Glutaric Acidemia type 2; ETHYLMALONIC-ADIPICACIDURIA; GA II. Identifiers: Orphanet 26791, MedGen C0268596, MONDO:0009282, OMIM 231680.
Myopathy with abnormal lipid metabolism. Also called: Lipid storage myopathy due to flavin adenine dinucleotide synthetase deficiency. Identifiers: MedGen C4310822, MONDO:0009703, OMIM 255100.

Allele frequency attached by ClinVar (database versions not stated): TOPMed 0.00003; gnomAD 0.00001; gnomAD exomes 0.00002; ExAC 0.00003; ESP Exome Variant Server 0.00008.
gnomAD v4.1: 27 of 1,614,128 alleles (0.0017%); highest among the groups gnomAD compares: Middle Eastern, 0.033%; no homozygotes.

Submissions (3):

Labcorp Genetics (formerly Invitae), Labcorp
Classification: Pathogenic. Last evaluated: 2025-07-09. Review status: criteria provided, single submitter. Criteria: Invitae Variant Classification Sherloc (09022015). Collection method: clinical testing. Allele origin: germline.
Comment: This sequence change creates a premature translational stop signal (p.Arg249*) in the FLAD1 gene. It is expected to result in an absent or disrupted protein product. Loss-of-function variants in FLAD1 are known to be pathogenic (PMID: 27259049). This variant is present in population databases (rs199979286, gnomAD 0.006%). This premature translational stop signal has been observed in individual(s) with flavin adenine dinucleotide synthetase deficiency (PMID: 30982706). ClinVar contains an entry for this variant (Variation ID: 801554). Algorithms developed to predict the effect of sequence changes on RNA splicing suggest that this variant may create or strengthen a splice site. For these reasons, this variant has been classified as Pathogenic.

Women's Health and Genetics/Laboratory Corporation of America, LabCorp
Classification: Pathogenic for Myopathy with abnormal lipid metabolism. Last evaluated: 2024-05-02. Review status: criteria provided, single submitter. Criteria: LabCorp Variant Classification Summary - May 2015. Collection method: clinical testing. Allele origin: germline.
Comment: Variant summary: FLAD1 c.745C>T (p.Arg249X) results in a premature termination codon, predicted to cause a truncation of the encoded protein or absence of the protein due to nonsense mediated decay, which are commonly known mechanisms for disease. The variant allele was found at a frequency of 2.4e-05 in 251424 control chromosomes (gnomAD). c.745C>T has been reported in the literature in at least one individual affected with clinical features of flavin adenine dinucleotide synthase deficiency (Yamada_2019). These data indicate that the variant is likely associated with disease. The following publication has been ascertained in the context of this evaluation (PMID: 30982706). ClinVar contains an entry for this variant (Variation ID: 801554). Based on the evidence outlined above, the variant was classified as pathogenic.

Mendelics
Classification: Pathogenic for Multiple acyl-CoA dehydrogenase deficiency. Last evaluated: 2019-05-28. Review status: criteria provided, single submitter. Criteria: Mendelics Assertion Criteria 2017. Collection method: clinical testing. Allele origin: unknown.

Literature cited by the submitters: PubMed 27259049 (cited by Labcorp Genetics (formerly Invitae), Labcorp); PubMed 30982706 (cited by Labcorp Genetics (formerly Invitae), Labcorp and Women's Health and Genetics/Laboratory Corporation of America, LabCorp).